The following is an entry in ClinVar:

ClinVar aggregate classification (germline): Uncertain significance (1 of 4 stars; one submission).

Submission:

Ambry Genetics
Classification: Uncertain significance. Last evaluated: 2026-06-15. Review status: criteria provided, single submitter. Criteria: Ambry Variant Classification Scheme 2023. Collection method: clinical testing. Allele origin: germline.
Comment: The p.T751S variant (also known as c.2252C>G), located in coding exon 8 of the RNF43 gene, results from a C to G substitution at nucleotide position 2252. The threonine at codon 751 is replaced by serine, an amino acid with similar properties. This amino acid position is conserved. In addition, this alteration is predicted to be tolerated by in silico analysis. Based on the available evidence, the clinical significance of this variant remains unclear.

NM_017763.6(RNF43):c.2252C>G (p.Thr751Ser)

Gene: RNF43 (ring finger protein 43; minus strand). Cytogenetic location: 17q22.
Variant type: single nucleotide variant.
Coding change: c.2252C>G on transcript NM_017763.6 (MANE Select); coding-DNA position 2252, C replaced by G.
Protein change: p.Thr751Ser; replaces threonine 751 with serine.
Molecular consequence: missense variant.
Genome position (GRCh38, 1-based): chr17:58,357,524, G>C on the plus strand (C>G on the coding strand, the complement: RNF43 is on the minus strand). VCF-style: chr17-58357524-G-C. GRCh37 (hg19) VCF-style: chr17-56434885-G-C.
Other names: c.2252C>G, p.Thr751Ser (NM_001305544.3, NM_001438820.1, NM_001438821.1 and 1 more transcripts); c.1871C>G, p.Thr624Ser (NM_001305545.2, NM_001437987.1); short protein forms T751S, T624S.
Identifiers: ClinVar variation 5028313 (VCV005028313.1).
Genomic context (GRCh38, chr17:58,357,524, plus strand): 5'-TCACCAGGCTGGGCCGACAGCACCTGGCAGTGCGGATAAGGGCATGGCCTGCCCTCTGCG[G>C]TGTCAGAACTCCATTCAGAAGGCCCCTCCCCAGGTGGATGTGGTTCCAGGGGCTGGCGAG-3'
Protein context (NP_060233.3, residues 741-761): GEGPSEWSSD[Thr751Ser]AEGRPCPYPH